The following is an entry in ClinVar:

ClinVar aggregate classification (germline): Benign (0 of 4 stars; one submission).

Conditions:
SHROOM3-related disorder. Also called: SHROOM3-related condition.

Allele frequency attached by ClinVar (database versions not stated): ExAC 0.00096; 1000 Genomes Project 0.00280; 1000 Genomes Project 30x 0.00328; gnomAD 0.00339; TOPMed 0.00383; ESP Exome Variant Server 0.00392.
gnomAD v4.1: 953 of 1,613,582 alleles (0.059%); highest among the groups gnomAD compares: African/African-American, 1.1%; 11 homozygotes.

Submission:

PreventionGenetics, part of Exact Sciences
Classification: Benign for SHROOM3-related condition. Last evaluated: 2019-09-25. Review status: no assertion criteria provided. Collection method: clinical testing. Allele origin: germline.
Comment: This variant is classified as benign based on ACMG/AMP sequence variant interpretation guidelines (Richards et al. 2015 PMID: 25741868, with internal and published modifications).

NM_020859.4(SHROOM3):c.-8T>A

Gene: SHROOM3 (shroom family member 3; plus strand). Cytogenetic location: 4q21.1.
Variant type: single nucleotide variant.
Coding change: c.-8T>A on transcript NM_020859.4 (MANE Select); 8 bases upstream of the start codon, T replaced by A.
Molecular consequence: 5 prime UTR variant.
Genome position (GRCh38, 1-based): chr4:76,436,045, T>A. VCF-style: chr4-76436045-T-A. GRCh37 (hg19) VCF-style: chr4-77357198-T-A.
Identifiers: ClinVar variation 3040646 (VCV003040646.2), dbSNP rs79606629, ClinGen allele CA2971953.